The following is an entry in ClinVar:

ClinVar aggregate classification (germline): Likely pathogenic (1 of 4 stars; one submission).

Conditions:
2-aminoadipic 2-oxoadipic aciduria (AAKAD). Also called: Aminoadipic aciduria; ALPHA-AMINOADIPIC AND ALPHA-KETOADIPIC ACIDURIA. Identifiers: Orphanet 79154, MedGen C1859817, MONDO:0008774, OMIM 204750.

Allele frequency attached by ClinVar (database versions not stated): gnomAD exomes below 0.00001; ExAC 0.00001.
gnomAD v4.1: 3 of 1,547,300 alleles (0.00019%); highest among the groups gnomAD compares: Non-Finnish European, 0.00018%; no homozygotes.

Submission:

Labcorp Genetics (formerly Invitae), Labcorp
Classification: Likely pathogenic for 2-aminoadipic 2-oxoadipic aciduria. Last evaluated: 2022-12-15. Review status: criteria provided, single submitter. Criteria: Invitae Variant Classification Sherloc (09022015). Collection method: clinical testing. Allele origin: germline.
Comment: This sequence change affects a donor splice site in intron 14 of the DHTKD1 gene. It is expected to disrupt RNA splicing. Variants that disrupt the donor or acceptor splice site typically lead to a loss of protein function (PMID: 16199547), and loss-of-function variants in DHTKD1 are known to be pathogenic (PMID: 23141293, 25860818). This variant is present in population databases (rs767066938, gnomAD 0.0009%). This variant has not been reported in the literature in individuals affected with DHTKD1-related conditions. Algorithms developed to predict the effect of sequence changes on RNA splicing suggest that this variant may disrupt the consensus splice site. In summary, the currently available evidence indicates that the variant is pathogenic, but additional data are needed to prove that conclusively. Therefore, this variant has been classified as Likely Pathogenic.

Literature cited by the submitters: PubMed 16199547; PubMed 23141293; PubMed 25860818.

NM_018706.7(DHTKD1):c.2402+1G>A

Gene: DHTKD1 (dehydrogenase E1 and transketolase domain containing 1; plus strand). Cytogenetic location: 10p14.
Variant type: single nucleotide variant.
Coding change: c.2402+1G>A on transcript NM_018706.7 (MANE Select); the canonical splice donor site of the intron after coding-DNA position 2402, G replaced by A.
Molecular consequence: splice donor variant.
Genome position (GRCh38, 1-based): chr10:12,117,756, G>A. VCF-style: chr10-12117756-G-A. GRCh37 (hg19) VCF-style: chr10-12159755-G-A.
Identifiers: ClinVar variation 2962649 (VCV002962649.3), dbSNP rs767066938, ClinGen allele CA5408243.
Genomic context (GRCh38, chr10:12,117,756, plus strand): 5'-AATGGCACCAGGAACAACATTTAACCCGGTCATTGGTGATTCATCTGTGGATCCAAAAAA[G>A]TAAGATATGTATCTCTGTTTTCATATTCTGTGGCAGAATTTTAATTAATGGGAAAAGTAG-3'